The following is an entry in ClinVar:

NM_000400.4(ERCC2):c.1188del (p.Leu397fs)

Gene: ERCC2 (ERCC excision repair 2, TFIIH core complex helicase subunit; minus strand). Cytogenetic location: 19q13.32.
Variant type: Deletion.
Coding change: c.1188del on transcript NM_000400.4 (MANE Select); coding-DNA position 1188, one base deleted (G; older notation c.1188delG).
Protein change: p.Leu397fs; shifts the reading frame from leucine 397.
Molecular consequence: frameshift variant.
Genome position (GRCh38, 1-based): chr19:45,361,573, C deleted on the plus strand (G on the coding strand, the reverse complement: ERCC2 is on the minus strand). VCF-style (leftmost placement, unchanged base first): chr19-45361572-GC-G. GRCh37 (hg19) VCF-style: chr19-45864830-GC-G.
Other names: c.1116del, p.Leu373fs (NM_001130867.2); short protein forms L373fs, L397fs.
Identifiers: ClinVar variation 2833726 (VCV002833726.3), dbSNP rs2514023304, ClinGen allele CA2739276861.
Genomic context (GRCh38, chr19:45,361,572, plus strand): 5'-AGGTGAGCTTACCTTTGGCGTAGGTGCTGACAAGGGTGGCAAAGTTAGCAAGGAGGGTGA[GC>G]GGGGAGAAGTCAGCAAGGTCGGTGATCTCCAGAGTATGCAGCAGGGACCGGAGGCGTTCA-3'

ClinVar aggregate classification (germline): Pathogenic (1 of 4 stars; one submission).

Submission:

Labcorp Genetics (formerly Invitae), Labcorp
Classification: Pathogenic. Last evaluated: 2023-02-01. Review status: criteria provided, single submitter. Criteria: Invitae Variant Classification Sherloc (09022015). Collection method: clinical testing. Allele origin: germline.
Comment: For these reasons, this variant has been classified as Pathogenic. This variant has not been reported in the literature in individuals affected with ERCC2-related conditions. This variant is not present in population databases (gnomAD no frequency). This sequence change creates a premature translational stop signal (p.Leu397Serfs*87) in the ERCC2 gene. It is expected to result in an absent or disrupted protein product. Loss-of-function variants in ERCC2 are known to be pathogenic (PMID: 9238033, 11335038, 19085937, 19934020).

Literature cited by the submitters: PubMed 9238033; PubMed 11335038; PubMed 19085937; PubMed 19934020.